The following is an entry in ClinVar:

NM_000179.3(MSH6):c.2141C>T (p.Ser714Phe)

Gene: MSH6 (mutS homolog 6; plus strand). Cytogenetic location: 2p16.3.
Variant type: single nucleotide variant.
Coding change: c.2141C>T on transcript NM_000179.3 (MANE Select); coding-DNA position 2141, C replaced by T.
Protein change: p.Ser714Phe; replaces serine 714 with phenylalanine.
Molecular consequence: missense variant.
Genome position (GRCh38, 1-based): chr2:47,800,124, C>T. VCF-style: chr2-47800124-C-T. GRCh37 (hg19) VCF-style: chr2-48027263-C-T.
Other names: c.1751C>T, p.Ser584Phe (NM_001281492.2); c.1235C>T, p.Ser412Phe (NM_001281493.2, NM_001281494.2); short protein forms S714F, S412F, S584F.
Identifiers: ClinVar variation 480861 (VCV000480861.19), dbSNP rs730881796, ClinGen allele CA068492.
Genomic context (GRCh38, chr2:47,800,124, plus strand): 5'-GCCTTATTGATCAGGAGCTTTTATCAATGGCTAATTTTGAAGAATATATTCCCTTGGATT[C>T]TGACACAGTCAGCACTACAAGATCTGGTGCTATCTTCACCAAAGCCTATCAACGAATGGT-3'
Protein context (NP_000170.1, residues 704-724): ANFEEYIPLD[Ser714Phe]DTVSTTRSGA

ClinVar aggregate classification (germline): Conflicting classifications of pathogenicity. Review status: criteria provided, conflicting classifications (1 of 4 stars). 5 submissions from 5 submitters: Uncertain significance (4); Likely benign (1). Last evaluated 2025-11-08.

Conditions:
Hereditary cancer-predisposing syndrome. Also called: Hereditary Cancer Syndrome; Neoplastic Syndromes, Hereditary; Tumor predisposition; Hereditary neoplastic syndrome. Identifiers: Orphanet 140162, MedGen C0027672, MeSH D009386, MONDO:0015356.
Endometrial carcinoma. Also called: Endometrial carcinoma, somatic. Identifiers: MedGen C0476089, MONDO:0002447, OMIM 608089, HP:0012114.
Hereditary nonpolyposis colorectal neoplasms. Identifiers: MedGen C0009405, MeSH D003123.

gnomAD v4.1: 14 of 1,614,180 alleles (0.00087%); highest among the groups gnomAD compares: African/African-American, 0.0013%; no homozygotes.

Submissions (5):

Ambry Genetics
Classification: Uncertain significance for Hereditary cancer-predisposing syndrome. Last evaluated: 2025-11-08. Review status: criteria provided, single submitter. Criteria: Ambry Variant Classification Scheme 2023. Collection method: clinical testing. Allele origin: germline.
Comment: The p.S714F variant (also known as c.2141C>T), located in coding exon 4 of the MSH6 gene, results from a C to T substitution at nucleotide position 2141. The serine at codon 714 is replaced by phenylalanine, an amino acid with highly dissimilar properties. This variant was reported in 1/60,466 breast cancer cases and in 0/53,461 controls (Dorling et al. N Engl J Med. 2021 02;384:428-439). This amino acid position is not well conserved in available vertebrate species. In addition, the in silico prediction for this alteration is inconclusive. Since supporting evidence is limited at this time, the clinical significance of this alteration remains unclear.

Labcorp Genetics (formerly Invitae), Labcorp
Classification: Likely benign for Hereditary nonpolyposis colorectal neoplasms. Last evaluated: 2025-08-07. Review status: criteria provided, single submitter. Criteria: Invitae Variant Classification Sherloc (09022015). Collection method: clinical testing. Allele origin: germline.

Color Diagnostics, LLC DBA Color Health
Classification: Uncertain significance for Hereditary cancer-predisposing syndrome. Last evaluated: 2025-04-30. Review status: criteria provided, single submitter. Criteria: ACMG Guidelines, 2015. Collection method: clinical testing. Allele origin: germline.
Comment: This missense variant replaces serine with phenylalanine at codon 714 of the MSH6 protein. Computational prediction suggests that this variant may not impact protein structure and function. To our knowledge, functional studies have not been reported for this variant. This variant has been reported in an individual affected with breast cancer in the literature (PMID: 33471991). This variant has been identified in 1/250934 chromosomes in the general population by the Genome Aggregation Database (gnomAD). The available evidence is insufficient to determine the role of this variant in disease conclusively. Therefore, this variant is classified as a Variant of Uncertain Significance.

GeneDx
Classification: Uncertain significance. Last evaluated: 2024-02-12. Review status: criteria provided, single submitter. Criteria: GeneDx Variant Classification Process June 2021. Collection method: clinical testing. Allele origin: germline. Affected: yes.
Comment: Not observed at significant frequency in large population cohorts (gnomAD); In silico analysis supports that this missense variant does not alter protein structure/function; Identified in an individual with breast cancer (PMID: 33471991); This variant is associated with the following publications: (PMID: 17531815, 21120944, 33471991)

Baylor Genetics
Classification: Uncertain significance for Endometrial carcinoma. Last evaluated: 2024-01-28. Review status: criteria provided, single submitter. Criteria: ACMG Guidelines, 2015. Collection method: clinical testing. Allele origin: unknown.

Literature cited by the submitters: PubMed 33471991 (cited by Ambry Genetics and Color Diagnostics, LLC DBA Color Health).